The following is an entry in ClinVar:

NM_015139.3(SLC35D1):c.637G>T (p.Glu213Ter)

Gene: SLC35D1 (solute carrier family 35 member D1; minus strand). Cytogenetic location: 1p31.3.
Variant type: single nucleotide variant.
Coding change: c.637G>T on transcript NM_015139.3 (MANE Select); coding-DNA position 637, G replaced by T.
Protein change: p.Glu213Ter; replaces glutamic acid 213 with a stop codon.
Molecular consequence: nonsense.
Genome position (GRCh38, 1-based): chr1:67,042,328, C>A on the plus strand (G>T on the coding strand, the complement: SLC35D1 is on the minus strand). VCF-style: chr1-67042328-C-A. GRCh37 (hg19) VCF-style: chr1-67508011-C-A.
Other names: short protein forms E213*.
Identifiers: ClinVar variation 2633725 (VCV002633725.1), dbSNP rs1171884826, ClinGen allele CA340709016.
Genomic context (GRCh38, chr1:67,042,328, plus strand): 5'-CCAGGGTGGGCAGAATCATGAACAGTGCATTGTAATAGAGCAGTCCATATTTTCCCAGCT[C>A]CTAGGACAGTAAATAATTAGGTGTTTCATCTGCGTTTTGTTCTAGCAGATACAACACTGT-3'

ClinVar aggregate classification (germline): Likely pathogenic (1 of 4 stars; one submission).

Conditions:
SLC35D1-related disorder. Also called: SLC35D1-related condition.

Submission:

PreventionGenetics, part of Exact Sciences
Classification: Likely pathogenic for SLC35D1-related condition. Last evaluated: 2023-03-23. Review status: criteria provided, single submitter. Criteria: ACMG Guidelines, 2015. Collection method: clinical testing. Allele origin: germline.
Comment: The SLC35D1 c.637G>T variant is predicted to result in premature protein termination (p.Glu213*). To our knowledge, this variant has not been reported in the literature or in a large population database, indicating this variant is rare. Nonsense variants in SLC35D1 are expected to be pathogenic. This variant is interpreted as likely pathogenic.